The following is an entry in ClinVar:

ClinVar aggregate classification (germline): Uncertain significance (1 of 4 stars; one submission).

Submission:

Ambry Genetics
Classification: Uncertain significance. Last evaluated: 2021-11-09. Review status: criteria provided, single submitter. Criteria: Ambry Variant Classification Scheme 2023. Collection method: clinical testing. Allele origin: germline.
Comment: The p.H1024L variant (also known as c.3071A>T), located in coding exon 25 of the BUB1 gene, results from an A to T substitution at nucleotide position 3071. The histidine at codon 1024 is replaced by leucine, an amino acid with similar properties. This amino acid position is conserved. In addition, this alteration is predicted to be tolerated by in silico analysis. Since supporting evidence is limited at this time, the clinical significance of this alteration remains unclear.

NM_004336.5(BUB1):c.3071A>T (p.His1024Leu)

Gene: BUB1 (BUB1 mitotic checkpoint serine/threonine kinase; minus strand). Cytogenetic location: 2q13.
Variant type: single nucleotide variant.
Coding change: c.3071A>T on transcript NM_004336.5 (MANE Select); coding-DNA position 3071, A replaced by T.
Protein change: p.His1024Leu; replaces histidine 1024 with leucine.
Molecular consequence: missense variant.
Genome position (GRCh38, 1-based): chr2:110,638,151, T>A on the plus strand (A>T on the coding strand, the complement: BUB1 is on the minus strand). VCF-style: chr2-110638151-T-A. GRCh37 (hg19) VCF-style: chr2-111395728-T-A.
Other names: c.3011A>T, p.His1004Leu (NM_001278616.2); c.2900A>T, p.His967Leu (NM_001278617.2); short protein forms H1004L, H1024L, H967L.
Identifiers: ClinVar variation 1799502 (VCV001799502.2), dbSNP rs2467963679, ClinGen allele CA348088627.
Genomic context (GRCh38, chr2:110,638,151, plus strand): 5'-AGATGATGACAATCTGGAATATTCAACATAACATGAAAAAATTCATTCCACATATCCAAA[T>A]GAGGAAGCCTGAAAAAGACAAAGCATAAATAATGGCTAAAATGTAGCCTTCAATATGCAG-3'
Protein context (NP_004327.1, residues 1014-1034): KPEGLFRRLP[His1024Leu]LDMWNEFFHV